The following is an entry in ClinVar:

NM_025137.4(SPG11):c.3388C>G (p.Leu1130Val)

Gene: SPG11 (SPG11 vesicle trafficking associated, spatacsin; minus strand). Cytogenetic location: 15q21.1.
Variant type: single nucleotide variant.
Coding change: c.3388C>G on transcript NM_025137.4 (MANE Select); coding-DNA position 3388, C replaced by G.
Protein change: p.Leu1130Val; replaces leucine 1130 with valine.
Molecular consequence: missense variant.
Genome position (GRCh38, 1-based): chr15:44,608,509, G>C on the plus strand (C>G on the coding strand, the complement: SPG11 is on the minus strand). VCF-style: chr15-44608509-G-C. GRCh37 (hg19) VCF-style: chr15-44900707-G-C.
Other names: c.3388C>G, p.Leu1130Val (NM_001160227.2, NM_001411132.1); short protein forms L1130V.
Identifiers: ClinVar variation 1955642 (VCV001955642.5), dbSNP rs2083379778, ClinGen allele CA392224908.

ClinVar aggregate classification (germline): Uncertain significance (1 of 4 stars; one submission).

Conditions:
Hereditary spastic paraplegia 11. Also called: Spastic paraplegia, mental retardation and thin corpus callosum; Spastic Paraplegia 11; Nakamura Osame syndrome; Autosomal recessive hereditary spastic paraplegia, mental impairment, and thin corpus callosum; SPASTIC PARAPLEGIA, AUTOSOMAL RECESSIVE, COMPLICATED, WITH THIN CORPUS CALLOSUM; SPASTIC PARAPLEGIA, AUTOSOMAL RECESSIVE, WITH MENTAL IMPAIRMENT AND THIN CORPUS CALLOSUM. Identifiers: Orphanet 2822, MedGen C1858479, MONDO:0011445, OMIM 604360.

Allele frequency attached by ClinVar (database versions not stated): gnomAD exomes below 0.00001; TOPMed 0.00001.
gnomAD v4.1: 4 of 1,614,148 alleles (0.00025%); highest among the groups gnomAD compares: Non-Finnish European, 0.00034%; no homozygotes.

Submission:

Labcorp Genetics (formerly Invitae), Labcorp
Classification: Uncertain significance for Hereditary spastic paraplegia 11. Last evaluated: 2022-02-01. Review status: criteria provided, single submitter. Criteria: Invitae Variant Classification Sherloc (09022015). Collection method: clinical testing. Allele origin: germline.
Comment: In summary, the available evidence is currently insufficient to determine the role of this variant in disease. Therefore, it has been classified as a Variant of Uncertain Significance. This sequence change replaces leucine, which is neutral and non-polar, with valine, which is neutral and non-polar, at codon 1130 of the SPG11 protein (p.Leu1130Val). This variant is not present in population databases (gnomAD no frequency). This variant has not been reported in the literature in individuals affected with SPG11-related conditions. Algorithms developed to predict the effect of missense changes on protein structure and function are either unavailable or do not agree on the potential impact of this missense change (SIFT: "Tolerated"; PolyPhen-2: "Possibly Damaging"; Align-GVGD: "Class C0").